The following is an entry in ClinVar:

ClinVar aggregate classification (germline): Uncertain significance (1 of 4 stars; one submission).

Submission:

GeneDx
Classification: Uncertain significance. Last evaluated: 2026-04-20. Review status: criteria provided, single submitter. Criteria: GeneDx Variant Classification Process June 2021. Collection method: clinical testing. Allele origin: germline.
Comment: Not observed at significant frequency in large population cohorts (gnomAD); In silico analysis supports that this missense variant has a deleterious effect on protein structure/function; Has not been previously published as pathogenic or benign to our knowledge

NM_005215.4(DCC):c.2621A>C (p.Lys874Thr)

Gene: DCC (DCC netrin 1 receptor; plus strand). Cytogenetic location: 18q21.2.
Variant type: single nucleotide variant.
Coding change: c.2621A>C on transcript NM_005215.4 (MANE Select); coding-DNA position 2621, A replaced by C.
Protein change: p.Lys874Thr; replaces lysine 874 with threonine.
Molecular consequence: missense variant.
Genome position (GRCh38, 1-based): chr18:53,391,820, A>C. VCF-style: chr18-53391820-A-C. GRCh37 (hg19) VCF-style: chr18-50918190-A-C.
Other names: short protein forms K874T.
Identifiers: ClinVar variation 5037450 (VCV005037450.1).
Genomic context (GRCh38, chr18:53,391,820, plus strand): 5'-CTCTTACCCATGATGCTGTGAGGGTCAGCTGGGCAGACAACTCTGTCCCTAAGAACCAAA[A>C]GACGTCTGAGGTGCGACTTTACACCGTCCGGTGGAGAACCAGCTTTTCTGCAAGTGCAAA-3'
Protein context (NP_005206.2, residues 864-884): WADNSVPKNQ[Lys874Thr]TSEVRLYTVR